The following is an entry in ClinVar:

NM_001923.5(DDB1):c.1742T>C (p.Met581Thr)

Gene: DDB1 (damage specific DNA binding protein 1; minus strand). Cytogenetic location: 11q12.2.
Variant type: single nucleotide variant.
Coding change: c.1742T>C on transcript NM_001923.5 (MANE Select); coding-DNA position 1742, T replaced by C.
Protein change: p.Met581Thr; replaces methionine 581 with threonine.
Molecular consequence: missense variant.
Genome position (GRCh38, 1-based): chr11:61,314,058, A>G on the plus strand (T>C on the coding strand, the complement: DDB1 is on the minus strand). VCF-style: chr11-61314058-A-G. GRCh37 (hg19) VCF-style: chr11-61081530-A-G.
Other names: short protein forms M581T.
Identifiers: ClinVar variation 3349342 (VCV003349342.1).

ClinVar aggregate classification (germline): Uncertain significance (0 of 4 stars; one submission).

Conditions:
DDB1-related disorder. Also called: DDB1-related condition.

Submission:

PreventionGenetics, part of Exact Sciences
Classification: Uncertain significance for DDB1-related condition. Last evaluated: 2024-04-17. Review status: no assertion criteria provided. Collection method: clinical testing. Allele origin: germline.
Comment: The DDB1 c.1742T>C variant is predicted to result in the amino acid substitution p.Met581Thr. To our knowledge, this variant has not been reported in the literature or in a large population database, indicating this variant is rare. At this time, the clinical significance of this variant is uncertain due to the absence of conclusive functional and genetic evidence.